The following is an entry in ClinVar:

NM_001080467.3(MYO5B):c.5048A>G (p.Lys1683Arg)

Genes: MYO5B (myosin VB; minus strand), SNHG22 (small nucleolar RNA host gene 22; plus strand). Cytogenetic location: 18q21.1.
Variant type: single nucleotide variant.
Coding change: c.5048A>G on transcript NM_001080467.3 (MANE Select); coding-DNA position 5048, A replaced by G.
Protein change: p.Lys1683Arg; replaces lysine 1683 with arginine.
Molecular consequence: missense variant.
Genome position (GRCh38, 1-based): chr18:49,837,607, T>C on the plus strand (A>G on the coding strand, the complement: MYO5B is on the minus strand). VCF-style: chr18-49837607-T-C. GRCh37 (hg19) VCF-style: chr18-47363977-T-C.
Other names: short protein forms K1683R.
Identifiers: ClinVar variation 327002 (VCV000327002.14), dbSNP rs9950781, ClinGen allele CA8960161.

ClinVar aggregate classification (germline): Benign. Review status: criteria provided, multiple submitters, no conflicts (2 of 4 stars). 3 submissions from 3 submitters: Benign (3). Last evaluated 2026-01-25.

Conditions:
Congenital microvillous atrophy (DIAR2). Also called: DAVIDSON DISEASE; MICROVILLUS ATROPHY, CONGENITAL; Microvillus inclusion disease; Diarrhea 2 with microvillus atrophy, with or without cholestasis; CONGENITAL FAMILIAL PROTRACTED DIARRHEA WITH ENTEROCYTE BRUSH-BORDER ABNORMALITIES. Identifiers: Orphanet 2290, MedGen C0341306, MONDO:0009635, OMIM 251850.

Allele frequency attached by ClinVar (database versions not stated): gnomAD exomes 0.00171; ExAC 0.00211; gnomAD 0.00638 and 0.00683; TOPMed 0.00699; ESP Exome Variant Server 0.00713; 1000 Genomes Project 0.00819; 1000 Genomes Project 30x 0.00828.

Submissions (3):

Labcorp Genetics (formerly Invitae), Labcorp
Classification: Benign. Last evaluated: 2026-01-25. Review status: criteria provided, single submitter. Criteria: Invitae Variant Classification Sherloc (09022015). Collection method: clinical testing. Allele origin: germline.

Illumina Laboratory Services, Illumina
Classification: Benign for Congenital microvillous atrophy. Last evaluated: 2018-01-13. Review status: criteria provided, single submitter. Criteria: ICSL Variant Classification Criteria 13 December 2019. Collection method: clinical testing. Allele origin: germline.
Comment: This variant was observed in the ICSL laboratory as part of a predisposition screen in an ostensibly healthy population. It had not been previously curated by ICSL or reported in the Human Gene Mutation Database (HGMD: prior to June 1st, 2018), and was therefore a candidate for classification through an automated scoring system. Utilizing variant allele frequency, disease prevalence and penetrance estimates, and inheritance mode, an automated score was calculated to assess if this variant is too frequent to cause the disease. Based on the score and internal cut-off values, a variant classified as benign is not then subjected to further curation. The score for this variant resulted in a classification of benign for this disease.

Breakthrough Genomics
Classification: Benign. Review status: criteria provided, single submitter. Criteria: ACMG Guidelines, 2015. Collection method: not provided. Allele origin: germline. Inheritance: Autosomal recessive inheritance. Affected: yes.